The following is an entry in ClinVar:

ClinVar aggregate classification (germline): Likely pathogenic (1 of 4 stars; one submission).

Conditions:
Alport syndrome. Also called: Hemorrhagic familial nephritis; Hemorrhagic hereditary nephritis; Congenital hereditary hematuria. Identifiers: Orphanet 63, MedGen C1567741, MONDO:0018965.

gnomAD v4.1: 1 of 1,562,050 alleles (0.000064%); highest among the groups gnomAD compares: Non-Finnish European, 0.000087%; no homozygotes.

Submission:

Victorian Clinical Genetics Services, Murdoch Childrens Research Institute
Classification: Likely pathogenic for Alport syndrome. Last evaluated: 2023-07-17. Review status: criteria provided, single submitter. Criteria: ACMG Guidelines, 2015. Collection method: clinical testing. Allele origin: germline. Affected: yes.
Comment: Based on the classification scheme VCGS_Germline_v1.3.4, this variant is classified as Likely pathogenic. Following criteria are met: 0103 - Dominant negative and loss of function are known mechanisms of disease in this gene and are associated with COL4A3-related nephropathy. Glycine changes that are part of a G-X-Y repeat in the triple helix of a collagen domain are known to have a dominant negative effect (PMID: 12028435). (I) 0108 - This gene is associated with both recessive (Alport syndrome 2 MIM#203780) and dominant disease (Alport syndrome 3 MIM#104200 and benign familial haematuria MIM#141200) (OMIM). (I) 0200 - Variant is predicted to result in a missense amino acid change from glycine to arginine. (I) 0251 - This variant is heterozygous. (I) 0301 - Variant is absent from gnomAD (both v2 and v3). (SP) 0501 - Missense variant consistently predicted to be damaging by multiple in silico tools or highly conserved with a major amino acid change. (SP) 0601 - Variant is located in the well-established functional Gly-X-Y motif within the repeat domain, and affects a glycine residue (DECIPHER). (SP) 0705 - No comparable missense variants have previous evidence for pathogenicity. (I) 0807 - This variant has no previous evidence of pathogenicity. (I) 0905 - No published segregation evidence has been identified for this variant. (I) 1007 - No published functional evidence has been identified for this variant. (I) 1208 - Inheritance information for this variant is not currently available in this individual. (I) Legend: (SP) - Supporting pathogenic, (I) - Information, (SB) - Supporting benign

Literature cited by the submitters: PubMed 12028435.

NM_000091.5(COL4A3):c.2470G>A (p.Gly824Arg)

Genes: COL4A3 (collagen type IV alpha 3 chain; plus strand), MFF-DT (MFF divergent transcript; minus strand). Cytogenetic location: 2q36.3.
Variant type: single nucleotide variant.
Coding change: c.2470G>A on transcript NM_000091.5 (MANE Select); coding-DNA position 2470, G replaced by A.
Protein change: p.Gly824Arg; replaces glycine 824 with arginine.
Molecular consequence: missense variant.
Genome position (GRCh38, 1-based): chr2:227,280,988, G>A. VCF-style: chr2-227280988-G-A. GRCh37 (hg19) VCF-style: chr2-228145704-G-A.
Other names: short protein forms G824R.
Identifiers: ClinVar variation 3376723 (VCV003376723.1).